The following is an entry in ClinVar:

NM_020738.4(KIDINS220):c.3216C>A (p.Ile1072=)

Gene: KIDINS220 (kinase D interacting substrate 220; minus strand). Cytogenetic location: 2p25.1.
Variant type: single nucleotide variant.
Coding change: c.3216C>A on transcript NM_020738.4 (MANE Select); coding-DNA position 3216, C replaced by A.
Protein change: p.Ile1072=; no amino-acid change (isoleucine 1072 retained).
Molecular consequence: synonymous variant. On other transcripts: non-coding transcript variant (2).
Genome position (GRCh38, 1-based): chr2:8,750,310, G>T on the plus strand (C>A on the coding strand, the complement: KIDINS220 is on the minus strand). VCF-style: chr2-8750310-G-T. GRCh37 (hg19) VCF-style: chr2-8890440-G-T.
Other names: c.3216C>A (NM_020738.2); c.3219C>A, p.Ile1073= (NM_001348729.2, NM_001348731.2, NM_001348734.2 and 2 more transcripts); c.3216C>A, p.Ile1072= (NM_001348732.2, NM_001348735.2, NM_001348738.2 and 3 more transcripts); c.3090C>A, p.Ile1030= (NM_001348736.2).
Identifiers: ClinVar variation 1590240 (VCV001590240.12), dbSNP rs376785899, ClinGen allele CA1519731.

ClinVar aggregate classification (germline): Likely benign. Review status: criteria provided, multiple submitters, no conflicts (2 of 4 stars). 3 submissions from 3 submitters: Likely benign (2). 1 of the submissions does not count toward it. Last evaluated 2026-04-01.

Conditions:
KIDINS220-related disorder. Also called: KIDINS220-related condition.

Allele frequency attached by ClinVar (database versions not stated): gnomAD 0.00004 and 0.00009; TOPMed 0.00007; ESP Exome Variant Server 0.00008; gnomAD exomes 0.00018; 1000 Genomes Project 0.00020; ExAC 0.00025; 1000 Genomes Project 30x 0.00016.
gnomAD v4.1: 222 of 1,594,412 alleles (0.014%); highest among the groups gnomAD compares: Middle Eastern, 0.19%; no homozygotes.

Submissions (3):

CeGaT Center for Human Genetics Tuebingen
Classification: Likely benign. Last evaluated: 2026-04-01. Review status: criteria provided, single submitter. Criteria: CeGaT Center For Human Genetics Tuebingen Variant Classification Criteria Version 2. Collection method: clinical testing. Allele origin: germline. Affected: yes. Observed: 1 variant allele.
Comment: KIDINS220: BP4, BP7

Labcorp Genetics (formerly Invitae), Labcorp
Classification: Likely benign. Last evaluated: 2025-02-23. Review status: criteria provided, single submitter. Criteria: Invitae Variant Classification Sherloc (09022015). Collection method: clinical testing. Allele origin: germline.

PreventionGenetics, part of Exact Sciences
Classification: Likely benign for KIDINS220-related condition. Last evaluated: 2022-12-15. Review status: no assertion criteria provided. Collection method: clinical testing. Allele origin: germline. Not counted in ClinVar's aggregate classification.
Comment: This variant is classified as likely benign based on ACMG/AMP sequence variant interpretation guidelines (Richards et al. 2015 PMID: 25741868, with internal and published modifications).